The following is an entry in ClinVar:

NM_017617.5(NOTCH1):c.1336G>T (p.Gly446Cys)

Gene: NOTCH1 (notch receptor 1; minus strand). Cytogenetic location: 9q34.3.
Variant type: single nucleotide variant.
Coding change: c.1336G>T on transcript NM_017617.5 (MANE Select); coding-DNA position 1336, G replaced by T.
Protein change: p.Gly446Cys; replaces glycine 446 with cysteine.
Molecular consequence: missense variant.
Genome position (GRCh38, 1-based): chr9:136,517,857, C>A on the plus strand (G>T on the coding strand, the complement: NOTCH1 is on the minus strand). VCF-style: chr9-136517857-C-A. GRCh37 (hg19) VCF-style: chr9-139412309-C-A.
Other names: short protein forms G446C.
Identifiers: ClinVar variation 2662390 (VCV002662390.1), dbSNP rs2133368711, ClinGen allele CA375563157.

ClinVar aggregate classification (germline): Uncertain significance (1 of 4 stars; one submission).

Submission:

GeneDx
Classification: Uncertain significance. Last evaluated: 2023-05-20. Review status: criteria provided, single submitter. Criteria: GeneDx Variant Classification Process June 2021. Collection method: clinical testing. Allele origin: germline. Affected: yes.
Comment: Not observed at significant frequency in large population cohorts (gnomAD); In silico analysis supports that this missense variant has a deleterious effect on protein structure/function; Has not been previously published as pathogenic or benign to our knowledge